The following is an entry in ClinVar:

NM_004006.3(DMD):c.6616C>G (p.Leu2206Val)

Gene: DMD (dystrophin; minus strand). Cytogenetic location: Xp21.1.
Variant type: single nucleotide variant.
Coding change: c.6616C>G on transcript NM_004006.3 (MANE Select); coding-DNA position 6616, C replaced by G.
Protein change: p.Leu2206Val; replaces leucine 2206 with valine.
Molecular consequence: missense variant. On other transcripts: 5 prime UTR variant (5).
Genome position (GRCh38, 1-based): chrX:31,932,226, G>C on the plus strand (C>G on the coding strand, the complement: DMD is on the minus strand). VCF-style: chrX-31932226-G-C. GRCh37 (hg19) VCF-style: chrX-31950343-G-C.
Other names: c.6592C>G, p.Leu2198Val (NM_000109.4); c.6604C>G, p.Leu2202Val (NM_004009.3); c.6247C>G, p.Leu2083Val (NM_004010.3); c.2593C>G, p.Leu865Val (NM_004011.4); c.2584C>G, p.Leu862Val (NM_004012.4); c.-765C>G (NM_004013.3, NM_004020.4, NM_004021.3 and 2 more transcripts); short protein forms L2202V, L862V, L2083V, L865V, L2206V, L2198V.
Identifiers: ClinVar variation 5035387 (VCV005035387.1).

ClinVar aggregate classification (germline): Uncertain significance (1 of 4 stars; one submission).

Conditions:
Cardiovascular phenotype. Identifiers: MedGen CN230736.

Submission:

Ambry Genetics
Classification: Uncertain significance for Cardiovascular phenotype. Last evaluated: 2026-07-13. Review status: criteria provided, single submitter. Criteria: Ambry Variant Classification Scheme 2023. Collection method: clinical testing. Allele origin: germline.
Comment: The p.L2206V variant (also known as c.6616C>G), located in coding exon 46 of the DMD gene, results from a C to G substitution at nucleotide position 6616. The leucine at codon 2206 is replaced by valine, an amino acid with highly similar properties. This amino acid position is conserved. In addition, this alteration is predicted to be tolerated by in silico analysis. Based on the available evidence, the clinical significance of this variant remains unclear.